The following is an entry in ClinVar:

ClinVar aggregate classification (germline): Uncertain significance (1 of 4 stars; one submission).

Conditions:
3-methylcrotonyl-CoA carboxylase 2 deficiency. Also called: METHYLCROTONYLGLYCINURIA, TYPE II; 3 alpha methylcrotonyl-CoA carboxylase 2 deficiency; 3 alpha methylcrotonylglycinuria 2; MCC 2 deficiency; Methylcrotonylglycinuria type 2. Identifiers: Orphanet 6, MedGen C1859499, MONDO:0008862, OMIM 210210.

Submission:

Labcorp Genetics (formerly Invitae), Labcorp
Classification: Uncertain significance for 3-methylcrotonyl-CoA carboxylase 2 deficiency. Last evaluated: 2025-08-08. Review status: criteria provided, single submitter. Criteria: Invitae Variant Classification Sherloc (09022015). Collection method: clinical testing. Allele origin: germline.
Comment: This sequence change replaces phenylalanine, which is neutral and non-polar, with leucine, which is neutral and non-polar, at codon 558 of the MCCC2 protein (p.Phe558Leu). This variant is not present in population databases (gnomAD no frequency). This variant has not been reported in the literature in individuals affected with MCCC2-related conditions. ClinVar contains an entry for this variant (Variation ID: 1358067). Invitae Evidence Modeling of protein sequence and biophysical properties (such as structural, functional, and spatial information, amino acid conservation, physicochemical variation, residue mobility, and thermodynamic stability) indicates that this missense variant is not expected to disrupt MCCC2 protein function with a negative predictive value of 95%. In summary, the available evidence is currently insufficient to determine the role of this variant in disease. Therefore, it has been classified as a Variant of Uncertain Significance.

NM_022132.5(MCCC2):c.1672T>C (p.Phe558Leu)

Gene: MCCC2 (methylcrotonyl-CoA carboxylase subunit 2; plus strand). Cytogenetic location: 5q13.2.
Variant type: single nucleotide variant.
Coding change: c.1672T>C on transcript NM_022132.5 (MANE Select); coding-DNA position 1672, T replaced by C.
Protein change: p.Phe558Leu; replaces phenylalanine 558 with leucine.
Molecular consequence: missense variant.
Genome position (GRCh38, 1-based): chr5:71,656,840, T>C. VCF-style: chr5-71656840-T-C. GRCh37 (hg19) VCF-style: chr5-70952667-T-C.
Other names: c.1558T>C, p.Phe520Leu (NM_001363147.1); short protein forms F520L, F558L.
Identifiers: ClinVar variation 1358067 (VCV001358067.8), dbSNP rs2112478390, ClinGen allele CA360004816.
Genomic context (GRCh38, chr5:71,656,840, plus strand): 5'-AGACTGGTCTTGGGTCTCAGTTTTAGTGCAGCCCTCAACGCACCAATAGAGAAGACTGAC[T>C]TCGGTATCTTCAGGATGTAACTGGAATAAAGGATGTTTTCTGTTGGACATGTACTGAAAA-3'
Protein context (NP_071415.1, residues 548-563): ALNAPIEKTD[Phe558Leu]GIFRM